The following is an entry in ClinVar:

ClinVar aggregate classification (germline): Uncertain significance (1 of 4 stars; one submission).

Conditions:
Multiple gastrointestinal atresias. Also called: Multiple intestinal atresia; FAMILIAL INTESTINAL POLYATRESIA SYNDROME. Identifiers: Orphanet 2300, MedGen C0220744, MONDO:0009465.

Submission:

Labcorp Genetics (formerly Invitae), Labcorp
Classification: Uncertain significance for Multiple gastrointestinal atresias. Last evaluated: 2022-08-20. Review status: criteria provided, single submitter. Criteria: Invitae Variant Classification Sherloc (09022015). Collection method: clinical testing. Allele origin: germline.
Comment: This sequence change replaces proline, which is neutral and non-polar, with leucine, which is neutral and non-polar, at codon 855 of the TTC7A protein (p.Pro855Leu). This variant is not present in population databases (gnomAD no frequency). This variant has not been reported in the literature in individuals affected with TTC7A-related conditions. Algorithms developed to predict the effect of missense changes on protein structure and function are either unavailable or do not agree on the potential impact of this missense change (SIFT: "Deleterious"; PolyPhen-2: "Probably Damaging"; Align-GVGD: "Class C0"). In summary, the available evidence is currently insufficient to determine the role of this variant in disease. Therefore, it has been classified as a Variant of Uncertain Significance.

NM_020458.4(TTC7A):c.2564C>T (p.Pro855Leu)

Gene: TTC7A (tetratricopeptide repeat domain 7A; plus strand). Cytogenetic location: 2p21.
Variant type: single nucleotide variant.
Coding change: c.2564C>T on transcript NM_020458.4 (MANE Select); coding-DNA position 2564, C replaced by T.
Protein change: p.Pro855Leu; replaces proline 855 with leucine.
Molecular consequence: missense variant.
Genome position (GRCh38, 1-based): chr2:47,073,910, C>T. VCF-style: chr2-47073910-C-T. GRCh37 (hg19) VCF-style: chr2-47301049-C-T.
Other names: c.2636C>T, p.Pro879Leu (NM_001288951.2); c.2462C>T, p.Pro821Leu (NM_001288953.2); c.1502C>T, p.Pro501Leu (NM_001288955.2); short protein forms P501L, P821L, P855L, P879L.
Identifiers: ClinVar variation 1717068 (VCV001717068.3), dbSNP rs750794132, ClinGen allele CA346718290.
Genomic context (GRCh38, chr2:47,073,910, plus strand): 5'-GCTTCCTCACCGCCCTTGAGCTGGAGGCCAGCAGCCCTGTACTGCCCTTCTCCATCATCC[C>T]CAGAGAGCTCTGACGACGCTGCAGCCGCAGGGAGGGAGGGGCTGGCCAGAGGGAGAGGCA-3'
Protein context (NP_065191.2, residues 845-858): SSPVLPFSII[Pro855Leu]REL